The following is an entry in ClinVar:

NM_006715.4(MAN2C1):c.685G>A (p.Glu229Lys)

Gene: MAN2C1 (mannosidase alpha class 2C member 1; minus strand). Cytogenetic location: 15q24.2.
Variant type: single nucleotide variant.
Coding change: c.685G>A on transcript NM_006715.4 (MANE Select); coding-DNA position 685, G replaced by A.
Protein change: p.Glu229Lys; replaces glutamic acid 229 with lysine.
Molecular consequence: missense variant. On other transcripts: intron variant (1).
Genome position (GRCh38, 1-based): chr15:75,364,104, C>T on the plus strand (G>A on the coding strand, the complement: MAN2C1 is on the minus strand). VCF-style: chr15-75364104-C-T. GRCh37 (hg19) VCF-style: chr15-75656445-C-T.
Other names: c.685G>A, p.Glu229Lys (NM_001256494.2, NM_001256495.2); c.600+384G>A (NM_001256496.2); short protein forms E229K.
Identifiers: ClinVar variation 2370363 (VCV002370363.6), dbSNP rs79888318, ClinGen allele CA7666904.

ClinVar aggregate classification (germline): Uncertain significance. Review status: criteria provided, multiple submitters, no conflicts (2 of 4 stars). 3 submissions from 3 submitters: Uncertain significance (3). Last evaluated 2025-11-27.

Conditions:
Congenital disorder of deglycosylation 2 (CDDG2). Identifiers: MedGen C5676931, MONDO:0030770, OMIM 619775.

Allele frequency attached by ClinVar (database versions not stated): TOPMed 0.00092; 1000 Genomes Project 30x 0.00062; 1000 Genomes Project 0.00080; gnomAD 0.00088; ESP Exome Variant Server 0.00092.

Submissions (3):

Dasa
Classification: Uncertain significance. Last evaluated: 2025-11-27. Review status: criteria provided, single submitter. Criteria: DASA Assertion Criteria. Collection method: clinical testing. Allele origin: germline.
Comment: NM_006715.4(MAN2C1):c.685G>A (p.Glu229Lys) is a missense variant that results in the substitution of glutamic acid with lysine. This variant is rare in population databases. Computational prediction algorithms are consistent with a benign effect. The currently available literature and clinical evidence are not sufficient to establish a definitive association between this variant and the reported condition. Therefore, this variant is classified as a variant of uncertain significance.

Ambry Genetics
Classification: Uncertain significance. Last evaluated: 2024-11-25. Review status: criteria provided, single submitter. Criteria: Ambry Variant Classification Scheme 2023. Collection method: clinical testing. Allele origin: germline.

ARUP Laboratories, Molecular Genetics and Genomics, ARUP Laboratories
Classification: Uncertain significance for Congenital disorder of deglycosylation 2. Review status: criteria provided, single submitter. Criteria: ARUP Molecular Germline Variant Investigation Process 2024. Collection method: clinical testing. Allele origin: germline.
Comment: The MAN2C1 c.685G>A; p.Glu229Lys variant (rs79888318), to our knowledge, is not reported in the medical literature but is reported in ClinVar (Variation ID: 2370363). Computational analyses predict that this variant is neutral (REVEL: 0.096). However, given the lack of clinical and functional data, the significance of this variant is uncertain at this time.